The following is an entry in ClinVar:

ClinVar aggregate classification (germline): Conflicting classifications of pathogenicity. Review status: criteria provided, conflicting classifications (1 of 4 stars). 2 submissions from 2 submitters: Uncertain significance (1); Likely benign (1). Last evaluated 2025-08-08.

Conditions:
Inborn genetic diseases. Identifiers: MedGen C0950123, MeSH D030342.

Allele frequency attached by ClinVar (database versions not stated): gnomAD exomes 0.00001.
gnomAD v4.1: 15 of 1,611,906 alleles (0.00093%); highest among the groups gnomAD compares: South Asian, 0.0033%; no homozygotes.

Submissions (2):

Ambry Genetics
Classification: Uncertain significance for Inborn genetic diseases. Last evaluated: 2025-08-08. Review status: criteria provided, single submitter. Criteria: Ambry Variant Classification Scheme 2023. Collection method: clinical testing. Allele origin: germline.

Laboratory for Molecular Medicine, Mass General Brigham Personalized Medicine
Classification: Likely benign. Last evaluated: 2017-03-16. Review status: criteria provided, single submitter. Criteria: LMM Criteria. Collection method: clinical testing. Allele origin: germline. Observed: 1 variant allele.
Comment: p.Lys296Arg in exon 10 of MYO6: This variant is not expected to have clinical si gnificance due to a lack of conservation across species, including mammals. Of n ote, 3 mammals (squirrel, lesser Egyptian jerboa, and horse) have an arginine (A rg) at this position despite high nearby amino acid conservation. Furthermore, c omputational prediction tools do not suggest a likely impact to the protein. It has been identified in 2/17248 East Asian chromosomes by the Genome Aggregation Database (gnomAD).

NM_004999.4(MYO6):c.887A>G (p.Lys296Arg)

Gene: MYO6 (myosin VI; plus strand). Cytogenetic location: 6q14.1.
Variant type: single nucleotide variant.
Coding change: c.887A>G on transcript NM_004999.4 (MANE Select); coding-DNA position 887, A replaced by G.
Protein change: p.Lys296Arg; replaces lysine 296 with arginine.
Molecular consequence: missense variant. On other transcripts: non-coding transcript variant (1).
Genome position (GRCh38, 1-based): chr6:75,844,967, A>G. VCF-style: chr6-75844967-A-G. GRCh37 (hg19) VCF-style: chr6-76554684-A-G.
Other names: c.887A>G, p.Lys296Arg (NM_001300899.2, NM_001368136.1, NM_001368137.1 and 2 more transcripts); c.872A>G, p.Lys291Arg (NM_001368138.1); short protein forms K296R, K291R.
Identifiers: ClinVar variation 517276 (VCV000517276.5), dbSNP rs1402918571, ClinGen allele CA364752629.